The following is an entry in ClinVar:

NM_015378.4(VPS13D):c.3247G>C (p.Glu1083Gln)

Gene: VPS13D (vacuolar protein sorting 13 homolog D; plus strand). Cytogenetic location: 1p36.22.
Variant type: single nucleotide variant.
Coding change: c.3247G>C on transcript NM_015378.4 (MANE Select); coding-DNA position 3247, G replaced by C.
Protein change: p.Glu1083Gln; replaces glutamic acid 1083 with glutamine.
Molecular consequence: missense variant.
Genome position (GRCh38, 1-based): chr1:12,276,835, G>C. VCF-style: chr1-12276835-G-C. GRCh37 (hg19) VCF-style: chr1-12336892-G-C.
Other names: c.3247G>C, p.Glu1083Gln (NM_018156.4); short protein forms E1083Q.
Identifiers: ClinVar variation 2133587 (VCV002133587.4), dbSNP rs2524023383, ClinGen allele CA338474200.

ClinVar aggregate classification (germline): Uncertain significance (1 of 4 stars; one submission).

Submission:

Labcorp Genetics (formerly Invitae), Labcorp
Classification: Uncertain significance. Last evaluated: 2022-05-04. Review status: criteria provided, single submitter. Criteria: Invitae Variant Classification Sherloc (09022015). Collection method: clinical testing. Allele origin: germline.
Comment: This sequence change replaces glutamic acid, which is acidic and polar, with glutamine, which is neutral and polar, at codon 1083 of the VPS13D protein (p.Glu1083Gln). This variant is not present in population databases (gnomAD no frequency). This variant has not been reported in the literature in individuals affected with VPS13D-related conditions. Algorithms developed to predict the effect of missense changes on protein structure and function are either unavailable or do not agree on the potential impact of this missense change (SIFT: "Not Available"; PolyPhen-2: "Probably Damaging"; Align-GVGD: "Not Available"). In summary, the available evidence is currently insufficient to determine the role of this variant in disease. Therefore, it has been classified as a Variant of Uncertain Significance.